The following is an entry in ClinVar:

NM_001020658.2(PUM1):c.1204G>C (p.Ala402Pro)

Gene: PUM1 (pumilio RNA binding family member 1; minus strand). Cytogenetic location: 1p35.2.
Variant type: single nucleotide variant.
Coding change: c.1204G>C on transcript NM_001020658.2 (MANE Select); coding-DNA position 1204, G replaced by C.
Protein change: p.Ala402Pro; replaces alanine 402 with proline.
Molecular consequence: missense variant.
Genome position (GRCh38, 1-based): chr1:30,981,360, C>G on the plus strand (G>C on the coding strand, the complement: PUM1 is on the minus strand). VCF-style: chr1-30981360-C-G. GRCh37 (hg19) VCF-style: chr1-31454207-C-G.
Other names: c.1204G>C, p.Ala402Pro (NM_014676.3); short protein forms A402P.
Identifiers: ClinVar variation 3383644 (VCV003383644.1).
Genomic context (GRCh38, chr1:30,981,360, plus strand): 5'-TTAAGGACTTACCGATGTGCGGCTGATGAGCAGCTGCCAGTGCATACTGCTGCTGCTGAG[C>G]AGCTGTCAACTGCTGGACAGCAAGCGCATTAGGTCTTTGGAACAGCTGAGGCAAGAGGAA-3'
Protein context (NP_001018494.1, residues 392-412): NALAVQQLTA[Ala402Pro]QQQQYALAAA

ClinVar aggregate classification (germline): Uncertain significance (1 of 4 stars; one submission).

gnomAD v4.1: 1 of 1,605,222 alleles (0.000062%); no homozygotes.

Submission:

GeneDx
Classification: Uncertain significance. Last evaluated: 2024-05-23. Review status: criteria provided, single submitter. Criteria: GeneDx Variant Classification Process June 2021. Collection method: clinical testing. Allele origin: germline. Affected: yes.
Comment: Not observed at significant frequency in large population cohorts (gnomAD); In silico analysis indicates that this missense variant does not alter protein structure/function; Has not been previously published as pathogenic or benign to our knowledge